The following is an entry in ClinVar:

NM_002857.4(PEX19):c.152AGA[1] (p.Lys52del)

Gene: PEX19 (peroxisomal biogenesis factor 19; minus strand). Cytogenetic location: 1q23.2.
Variant type: Microsatellite.
Coding change: c.152AGA[1] on transcript NM_002857.4 (MANE Select); one copy of the 3-base unit AGA starting at c.152; the reference has two copies in a row; one copy, 3 bases deleted.
Protein change: p.Lys52del; deletes lysine 52.
Molecular consequence: inframe deletion. On other transcripts: non-coding transcript variant (1).
Genome position (GRCh38, 1-based): chr1:160,283,553-160,283,555, TCT deleted on the plus strand (AGA on the coding strand, the reverse complement: PEX19 is on the minus strand); deleting any 3 consecutive bases within chr1:160,283,553-160,283,558 gives the same sequence; the position shown is the placement nearest the transcript's 3' end. VCF-style (leftmost placement, unchanged base first): chr1-160283552-CTCT-C. GRCh37 (hg19) VCF-style: chr1-160253342-CTCT-C.
Other names: c.152AGA[1], p.Lys52del (NM_001193644.1); short protein forms K52del.
Identifiers: ClinVar variation 1433094 (VCV001433094.4), dbSNP rs2101805702, ClinGen allele CA2580611501.

ClinVar aggregate classification (germline): Uncertain significance (1 of 4 stars; one submission).

Conditions:
Peroxisome biogenesis disorder 12A (Zellweger). Also called: Peroxisome biogenesis disorder 12A. Identifiers: Orphanet 912, MedGen C3554002, MONDO:0013951, OMIM 614886.

Submission:

Labcorp Genetics (formerly Invitae), Labcorp
Classification: Uncertain significance for Peroxisome biogenesis disorder 12A (Zellweger). Last evaluated: 2022-06-20. Review status: criteria provided, single submitter. Criteria: Invitae Variant Classification Sherloc (09022015). Collection method: clinical testing. Allele origin: germline.
Comment: This variant, c.155_157del, results in the deletion of 1 amino acid of the PEX19 protein (p.Lys52del), but otherwise preserves the integrity of the reading frame. This variant is not present in population databases (gnomAD no frequency). This variant has not been reported in the literature in individuals affected with PEX19-related conditions. Experimental studies and prediction algorithms are not available or were not evaluated, and the functional significance of this variant is currently unknown. In summary, the available evidence is currently insufficient to determine the role of this variant in disease. Therefore, it has been classified as a Variant of Uncertain Significance.